The following is an entry in ClinVar:

NM_174936.4(PCSK9):c.1539C>T (p.Asn513=)

Gene: PCSK9 (proprotein convertase subtilisin/kexin type 9; plus strand). Cytogenetic location: 1p32.3.
Variant type: single nucleotide variant.
Coding change: c.1539C>T on transcript NM_174936.4 (MANE Select); coding-DNA position 1539, C replaced by T.
Protein change: p.Asn513=; no amino-acid change (asparagine 513 retained).
Molecular consequence: synonymous variant. On other transcripts: non-coding transcript variant (7), intron variant (1).
Genome position (GRCh38, 1-based): chr1:55,059,521, C>T. VCF-style: chr1-55059521-C-T. GRCh37 (hg19) VCF-style: chr1-55525194-C-T.
Other names: c.1662C>T, p.Asn554= (NM_001407240.1); c.1581C>T, p.Asn527= (NM_001407241.1); c.1542C>T, p.Asn514= (NM_001407242.1); c.1482C>T, p.Asn494= (NM_001407243.1); c.1365C>T, p.Asn455= (NM_001407244.1); c.1347C>T, p.Asn449= (NM_001407245.1); c.1164C>T, p.Asn388= (NM_001407246.1); c.1181-1854C>T (NM_001407247.1).
Identifiers: ClinVar variation 492240 (VCV000492240.17), dbSNP rs781492750, ClinGen allele CA037929.

ClinVar aggregate classification (germline): Likely benign. Review status: criteria provided, multiple submitters, no conflicts (2 of 4 stars). 6 submissions from 6 submitters: Likely benign (6). Last evaluated 2025-04-09.

Conditions:
Hypercholesterolemia, familial, 1. Also called: LDL RECEPTOR DISORDER; Hyperlipoproteinemia Type IIa; HYPER-LOW-DENSITY-LIPOPROTEINEMIA; HYPERCHOLESTEROLEMIC XANTHOMATOSIS, FAMILIAL; Fredrickson type IIa hyperlipoproteinemia; Hyperlipoproteinemia type 2. Identifiers: Orphanet 391665, MedGen C0745103, MONDO:0007750, OMIM 143890.
Cardiovascular phenotype. Identifiers: MedGen CN230736.
Hypercholesterolemia, autosomal dominant, 3 (FHCL3). Also called: Familial Hypercholesterolemia, Autosomal Dominant, 3; Familial hypercholesterolemia 3; PCSK9-Related Familial Hypercholesterolemia, Autosomal Dominant. Identifiers: MedGen C1863551, MONDO:0011369, OMIM 603776.

Allele frequency attached by ClinVar (database versions not stated): ExAC below 0.00001; gnomAD exomes 0.00002; gnomAD 0.00004; TOPMed 0.00004.
gnomAD v4.1: 27 of 1,565,798 alleles (0.0017%); highest among the groups gnomAD compares: Admixed American, 0.0019%; no homozygotes.

Submissions (6):

Molecular Diagnostic Laboratory for Inherited Cardiovascular Disease, Montreal Heart Institute
Classification: Likely benign. Last evaluated: 2025-04-09. Review status: criteria provided, single submitter. Criteria: ACMG Guidelines, 2015. Collection method: clinical testing. Allele origin: germline. Affected: no.

Labcorp Genetics (formerly Invitae), Labcorp
Classification: Likely benign for Hypercholesterolemia, autosomal dominant, 3. Last evaluated: 2024-11-17. Review status: criteria provided, single submitter. Criteria: Invitae Variant Classification Sherloc (09022015). Collection method: clinical testing. Allele origin: germline.

All of Us Research Program, National Institutes of Health
Classification: Likely benign for Hypercholesterolemia, autosomal dominant, 3. Last evaluated: 2023-12-13. Review status: criteria provided, single submitter. Criteria: ACMG Guidelines, 2015. Collection method: clinical testing. Allele origin: germline. Inheritance: Autosomal dominant inheritance. Observed: 6 variant alleles, 6 heterozygotes.
Comment: This study involves interpretation of variants in research participants for the purpose of population health screening. Participant phenotype was not available at the time of variant classification. Additional details can be found in publication PMID: 35346344, PMCID: PMC8962531

Women's Health and Genetics/Laboratory Corporation of America, LabCorp
Classification: Likely benign. Last evaluated: 2023-07-17. Review status: criteria provided, single submitter. Criteria: LabCorp Variant Classification Summary - May 2015. Collection method: clinical testing. Allele origin: germline.

Ambry Genetics
Classification: Likely benign for Cardiovascular phenotype. Last evaluated: 2022-07-29. Review status: criteria provided, single submitter. Criteria: Ambry Variant Classification Scheme 2023. Collection method: clinical testing. Allele origin: germline.

Color Diagnostics, LLC DBA Color Health
Classification: Likely benign for Familial hypercholesterolemia. Last evaluated: 2017-10-02. Review status: criteria provided, single submitter. Criteria: ACMG Guidelines, 2015. Collection method: clinical testing. Allele origin: germline.